The following is an entry in ClinVar:

NM_001130438.3(SPTAN1):c.939C>T (p.Ala313=)

Gene: SPTAN1 (spectrin alpha, non-erythrocytic 1; plus strand). Cytogenetic location: 9q34.11.
Variant type: single nucleotide variant.
Coding change: c.939C>T on transcript NM_001130438.3 (MANE Select); coding-DNA position 939, C replaced by T.
Protein change: p.Ala313=; no amino-acid change (alanine 313 retained).
Molecular consequence: synonymous variant.
Genome position (GRCh38, 1-based): chr9:128,577,360, C>T. VCF-style: chr9-128577360-C-T. GRCh37 (hg19) VCF-style: chr9-131339639-C-T.
Other names: c.939C>T, p.Ala313= (NM_001195532.2, NM_001363759.2, NM_001363765.2 and 5 more transcripts); c.975C>T, p.Ala325= (NM_001375312.2, NM_001375318.1).
Identifiers: ClinVar variation 1657543 (VCV001657543.32), dbSNP rs2131014238, ClinGen allele CA467484212.

ClinVar aggregate classification (germline): Likely benign. Review status: criteria provided, multiple submitters, no conflicts (2 of 4 stars). 2 submissions from 2 submitters: Likely benign (2). Last evaluated 2023-10-05.

Conditions:
Early-infantile DEE. Also called: Ohtahara syndrome; Early infantile epileptic encephalopathy; Early infantile epileptic encephalopathy with suppression bursts. Identifiers: Orphanet 1934, MedGen C0393706, MONDO:0800491.

Allele frequency attached by ClinVar (database versions not stated): gnomAD exomes 0.00001.
gnomAD v4.1: 9 of 1,614,128 alleles (0.00056%); highest among the groups gnomAD compares: Non-Finnish European, 0.00076%; no homozygotes.

Submissions (2):

Labcorp Genetics (formerly Invitae), Labcorp
Classification: Likely benign for Early-infantile DEE. Last evaluated: 2023-10-05. Review status: criteria provided, single submitter. Criteria: Invitae Variant Classification Sherloc (09022015). Collection method: clinical testing. Allele origin: germline.

CeGaT Center for Human Genetics Tuebingen
Classification: Likely benign. Last evaluated: 2022-09-01. Review status: criteria provided, single submitter. Criteria: CeGaT Center For Human Genetics Tuebingen Variant Classification Criteria Version 2. Collection method: clinical testing. Allele origin: germline. Affected: yes. Observed: 1 variant allele.
Comment: SPTAN1: PM2:Supporting, BP4, BP7